The following is an entry in ClinVar:

ClinVar aggregate classification (germline): Pathogenic (1 of 4 stars; one submission).

Submission:

Labcorp Genetics (formerly Invitae), Labcorp
Classification: Pathogenic. Last evaluated: 2023-09-08. Review status: criteria provided, single submitter. Criteria: Invitae Variant Classification Sherloc (09022015). Collection method: clinical testing. Allele origin: unknown.
Comment: This variant results in the deletion of exon 1 and part of exon 2 (c.-4992_422del) of the USH2A gene. It is expected to result in an absent or disrupted protein product. Loss-of-function variants in USH2A are known to be pathogenic (PMID: 10729113, 10909849, 20507924, 25649381). For these reasons, this variant has been classified as Pathogenic. This variant has not been reported in the literature in individuals affected with USH2A-related conditions.

Literature cited by the submitters: PubMed 10729113; PubMed 10909849; PubMed 20507924; PubMed 25649381.

NC_000001.10:g.(?_216595257)_(216601343_?)del

Gene: USH2A (usherin; minus strand). Cytogenetic location: 1q41.
Variant type: Deletion.
Identifiers: ClinVar variation 3248090 (VCV003248090.1).